The following is an entry in ClinVar:

NM_004859.4(CLTC):c.4385C>G (p.Ser1462Cys)

Genes: CLTC (clathrin heavy chain; plus strand), LOC126862609 (CDK7 strongly-dependent group 2 enhancer GRCh37_chr17:57760547-57761746; plus strand). Cytogenetic location: 17q23.1.
Variant type: single nucleotide variant.
Coding change: c.4385C>G on transcript NM_004859.4 (MANE Select); coding-DNA position 4385, C replaced by G.
Protein change: p.Ser1462Cys; replaces serine 1462 with cysteine.
Molecular consequence: missense variant.
Genome position (GRCh38, 1-based): chr17:59,683,936, C>G. VCF-style: chr17-59683936-C-G. GRCh37 (hg19) VCF-style: chr17-57761297-C-G.
Other names: c.4397C>G, p.Ser1466Cys (NM_001288653.2); short protein forms S1466C, S1462C.
Identifiers: ClinVar variation 2117120 (VCV002117120.4), dbSNP rs2509155586, ClinGen allele CA16040306.

ClinVar aggregate classification (germline): Uncertain significance (1 of 4 stars; one submission).

Submission:

Labcorp Genetics (formerly Invitae), Labcorp
Classification: Uncertain significance. Last evaluated: 2025-05-22. Review status: criteria provided, single submitter. Criteria: Invitae Variant Classification Sherloc (09022015). Collection method: clinical testing. Allele origin: germline.
Comment: This sequence change replaces serine, which is neutral and polar, with cysteine, which is neutral and slightly polar, at codon 1466 of the CLTC protein (p.Ser1466Cys). This variant is not present in population databases (gnomAD no frequency). This variant has not been reported in the literature in individuals affected with CLTC-related conditions. ClinVar contains an entry for this variant (Variation ID: 2117120). Invitae Evidence Modeling of protein sequence and biophysical properties (such as structural, functional, and spatial information, amino acid conservation, physicochemical variation, residue mobility, and thermodynamic stability) indicates that this missense variant is not expected to disrupt CLTC protein function with a negative predictive value of 80%. In summary, the available evidence is currently insufficient to determine the role of this variant in disease. Therefore, it has been classified as a Variant of Uncertain Significance.